The following is an entry in ClinVar:

ClinVar aggregate classification (germline): other (0 of 4 stars; one submission).

Conditions:
Familial colorectal cancer. Identifiers: MedGen CN280943, MONDO:0023113. Disease mechanism: loss of function.

Submission:

Systems Biology Platform Zhejiang California International NanoSystems Institute
Classification: other for Familial colorectal cancer. Review status: no assertion criteria provided. Collection method: not provided. Allele origin: unknown.
ClinVar note: Converted during submission from cancer to other.

NM_000038.6(APC):c.-19+8413C>A

Gene: APC (APC regulator of WNT signaling pathway; plus strand). Cytogenetic location: 5q22.2.
Variant type: single nucleotide variant.
Coding change: c.-19+8413C>A on transcript NM_000038.6 (MANE Select); 8413 bases into the intron after 19 bases upstream of the start codon, C replaced by A.
Molecular consequence: intron variant.
Genome position (GRCh38, 1-based): chr5:112,746,338, C>A. VCF-style: chr5-112746338-C-A. GRCh37 (hg19) VCF-style: chr5-112082035-C-A.
Other names: c.-18-8535C>A (NM_001354895.2); c.166-19988C>A (NM_001354897.2, NM_001354902.2, NM_001127511.3); c.-19+7878C>A (NM_001127510.3); c.60+7878C>A (NM_001354898.2, NM_001354904.2); c.-1054+8413C>A (NM_001354906.2); c.-19+8413C>A (NM_001354896.2, NM_001354903.2, NM_001354899.2); c.-43+8413C>A (NM_001354900.2, NM_001354901.2, NM_001354905.2).
Identifiers: ClinVar variation 82780 (VCV000082780.2), dbSNP rs75031223, ClinGen allele CA007092.
Genomic context (GRCh38, chr5:112,746,338, plus strand): 5'-CGTCACTTTGATAAGAAAAAAGAAAAAAGGCACCTTCTGATTTGAATTCTAGCTGACTTT[C>A]AAAGAATAGACACTATTCAAACTATTCCAGACCATATAAAAAGATGAGATAGCATAAGCT-3'